The following is an entry in ClinVar:

NM_000368.5(TSC1):c.247G>A (p.Ala83Thr)

Gene: TSC1 (TSC complex subunit 1; minus strand). Cytogenetic location: 9q34.13.
Variant type: single nucleotide variant.
Coding change: c.247G>A on transcript NM_000368.5 (MANE Select); coding-DNA position 247, G replaced by A.
Protein change: p.Ala83Thr; replaces alanine 83 with threonine.
Molecular consequence: missense variant. On other transcripts: 5 prime UTR variant (1), intron variant (1).
Genome position (GRCh38, 1-based): chr9:132,925,703, C>T on the plus strand (G>A on the coding strand, the complement: TSC1 is on the minus strand). VCF-style: chr9-132925703-C-T. GRCh37 (hg19) VCF-style: chr9-135801090-C-T.
Other names: c.247G>A, p.Ala83Thr (NM_001162426.2); c.-117G>A (NM_001362177.2); c.210+1498G>A (NM_001162427.2); c.247G>A (NM_000368.4); short protein forms A83T.
Identifiers: ClinVar variation 1416731 (VCV001416731.9), dbSNP rs76667066, ClinGen allele CA032818.
Genomic context (GRCh38, chr9:132,925,703, plus strand): 5'-AAGATGGCTGCAGTCTTATGACATGACCCAGTAACGAGAGGATGGATAAACGAGTGGCGG[C>T]TTTGCCCACATATTCGTTAATCCTGTCCAAGAGGTGCTGAAAATGTAAAAGAACAAGGGC-3'
Protein context (NP_000359.1, residues 73-93): LDRINEYVGK[Ala83Thr]ATRLSILSLL

ClinVar aggregate classification (germline): Conflicting classifications of pathogenicity. Review status: criteria provided, conflicting classifications (1 of 4 stars). 2 submissions from 2 submitters: Uncertain significance (1); Likely benign (1). Last evaluated 2025-10-26.

Conditions:
Hereditary cancer-predisposing syndrome. Also called: Hereditary neoplastic syndrome; Neoplastic Syndromes, Hereditary; Hereditary Cancer Syndrome; Tumor predisposition. Identifiers: Orphanet 140162, MedGen C0027672, MeSH D009386, MONDO:0015356.
Tuberous sclerosis 1 (TSC1). Identifiers: Orphanet 805, MedGen C1854465, MONDO:0008612, OMIM 191100.

Allele frequency attached by ClinVar (database versions not stated): TOPMed below 0.00001.

Submissions (2):

Labcorp Genetics (formerly Invitae), Labcorp
Classification: Likely benign for Tuberous sclerosis 1. Last evaluated: 2025-10-26. Review status: criteria provided, single submitter. Criteria: Invitae Variant Classification Sherloc (09022015). Collection method: clinical testing. Allele origin: germline.

Ambry Genetics
Classification: Uncertain significance for Hereditary cancer-predisposing syndrome. Last evaluated: 2023-10-12. Review status: criteria provided, single submitter. Criteria: Ambry Variant Classification Scheme 2023. Collection method: clinical testing. Allele origin: germline.
Comment: The p.A83T variant (also known as c.247G>A), located in coding exon 3 of the TSC1 gene, results from a G to A substitution at nucleotide position 247. The alanine at codon 83 is replaced by threonine, an amino acid with similar properties. This amino acid position is conserved. In addition, this alteration is predicted to be tolerated by in silico analysis. Since supporting evidence is limited at this time, the clinical significance of this alteration remains unclear.